The following is an entry in ClinVar:

ClinVar aggregate classification (germline): Uncertain significance (1 of 4 stars; one submission).

Conditions:
POLD1-related polyposis and colorectal cancer syndrome (CRCS10). Also called: Colorectal cancer 10; Colorectal cancer, susceptibility to, 10; COLORECTAL CANCER, SUSCEPTIBILITY TO, ON CHROMOSOME 19q. Identifiers: Orphanet 220460, MedGen C2675481, MONDO:0012953, OMIM 612591.

Submission:

Labcorp Genetics (formerly Invitae), Labcorp
Classification: Uncertain significance for POLD1-related polyposis and colorectal cancer syndrome. Last evaluated: 2023-11-01. Review status: criteria provided, single submitter. Criteria: Invitae Variant Classification Sherloc (09022015). Collection method: clinical testing. Allele origin: germline.
Comment: This sequence change creates a premature translational stop signal (p.Cys1076Leufs*30) in the POLD1 gene. While this is not anticipated to result in nonsense mediated decay, it is expected to disrupt the last 32 amino acid(s) of the POLD1 protein. This variant is not present in population databases (gnomAD no frequency). This variant has not been reported in the literature in individuals affected with POLD1-related conditions. Experimental studies and prediction algorithms are not available or were not evaluated, and the functional significance of this variant is currently unknown. In summary, the available evidence is currently insufficient to determine the role of this variant in disease. Therefore, it has been classified as a Variant of Uncertain Significance.

NM_002691.4(POLD1):c.3224_3225insT (p.Cys1076fs)

Gene: POLD1 (DNA polymerase delta 1, catalytic subunit; plus strand). Cytogenetic location: 19q13.33.
Variant type: Insertion.
Coding change: c.3224_3225insT on transcript NM_002691.4 (MANE Select); coding-DNA positions 3224 to 3225, T inserted.
Protein change: p.Cys1076fs; shifts the reading frame from cysteine 1076.
Molecular consequence: frameshift variant. On other transcripts: non-coding transcript variant (1).
Genome position: GRCh38 VCF-style: chr19-50417847-A-AT. GRCh37 (hg19) VCF-style: chr19-50921104-A-AT.
Other names: c.3224_3225insT, p.Cys1076fs (NM_001256849.1); c.3302_3303insT, p.Cys1102fs (NM_001308632.1); short protein forms C1102fs, C1076fs.
Identifiers: ClinVar variation 2773140 (VCV002773140.3), dbSNP rs2514086880, ClinGen allele CA2697552023.